The following is an entry in ClinVar:

ClinVar aggregate classification (germline): Likely benign (1 of 4 stars; one submission).

Conditions:
Hypoparathyroidism-retardation-dysmorphism syndrome (HRDS). Also called: SANJAD-SAKATI SYNDROME. Identifiers: Orphanet 2323, MedGen C1855840, MONDO:0009426, OMIM 241410.

Allele frequency attached by ClinVar (database versions not stated): gnomAD 0.00584 and 0.00614; TOPMed 0.00635; 1000 Genomes Project 0.00919; 1000 Genomes Project 30x 0.01015.

Submission:

Illumina Laboratory Services, Illumina
Classification: Likely benign for Hypoparathyroidism-retardation-dysmorphism syndrome. Last evaluated: 2017-04-27. Review status: criteria provided, single submitter. Criteria: ICSL Variant Classification Criteria 13 December 2019. Collection method: clinical testing. Allele origin: germline.
Comment: This variant was observed as part of a predisposition screen in an ostensibly healthy population. A literature search was performed for the gene, cDNA change, and amino acid change (where applicable). No publications were found based on this search. Allele frequency data from public databases allowed determination this variant is unlikely to cause disease. Therefore, this variant is classified as likely benign.

NM_003193.5(TBCE):c.-93T>A

Gene: TBCE (tubulin folding cofactor E; plus strand). Cytogenetic location: 1q42.3.
Variant type: single nucleotide variant.
Coding change: c.-93T>A on transcript NM_003193.5 (MANE Select); 93 bases upstream of the start codon, T replaced by A.
Molecular consequence: 5 prime UTR variant.
Genome position (GRCh38, 1-based): chr1:235,367,443, T>A. VCF-style: chr1-235367443-T-A. GRCh37 (hg19) VCF-style: chr1-235530758-T-A.
Other names: c.-141T>A (NM_001079515.3); c.-93T>A (NM_001287801.2); c.-403T>A (NM_001287802.2).
Identifiers: ClinVar variation 296285 (VCV000296285.5), dbSNP rs114193373, ClinGen allele CA10610403.
Genomic context (GRCh38, chr1:235,367,443, plus strand): 5'-CGTACCTCACTCCGGTGGAGGCGGGACTTCCTACAGCACTTCCGGCCAGAGCCTCAAGCT[T>A]CGCTGCTGGGCAGTTGGCTGGAGGGGCTGCTGCTGGGAACACCTGGAGTCTCCGCGGGCA-3'